The following is an entry in ClinVar:

NM_003470.3(USP7):c.511A>G (p.Met171Val)

Gene: USP7 (ubiquitin specific peptidase 7; minus strand). Cytogenetic location: 16p13.2.
Variant type: single nucleotide variant.
Coding change: c.511A>G on transcript NM_003470.3 (MANE Select); coding-DNA position 511, A replaced by G.
Protein change: p.Met171Val; replaces methionine 171 with valine.
Molecular consequence: missense variant. On other transcripts: non-coding transcript variant (1).
Genome position (GRCh38, 1-based): chr16:8,921,168, T>C on the plus strand (A>G on the coding strand, the complement: USP7 is on the minus strand). VCF-style: chr16-8921168-T-C. GRCh37 (hg19) VCF-style: chr16-9015025-T-C.
Other names: c.463A>G, p.Met155Val (NM_001286457.2); c.214A>G, p.Met72Val (NM_001286458.2); c.337A>G, p.Met113Val (NM_001321858.2); short protein forms M113V, M155V, M171V, M72V.
Identifiers: ClinVar variation 4813454 (VCV004813454.1).

ClinVar aggregate classification (germline): Uncertain significance (1 of 4 stars; one submission).

Conditions:
Hao-Fountain syndrome due to USP7 mutation. Also called: USP7-Related Hao Fountain Syndrome. Identifiers: Orphanet 643538, MedGen C5816734, MONDO:0958071, OMIM 616863.

Submission:

MVZ Praenatalmedizin und Genetik Nuernberg
Classification: Uncertain significance for Hao-Fountain syndrome due to USP7 mutation. Last evaluated: 2025-12-15. Review status: criteria provided, single submitter. Criteria: ACMG Guidelines, 2015. Collection method: clinical testing. Allele origin: germline.
Comment: Computer-based predictions (in silico) yield inconsistent results. In summary, we consider this variant to be a variant of unknown significance.